The following is an entry in ClinVar:

ClinVar aggregate classification (germline): Benign/Likely benign. Review status: criteria provided, multiple submitters, no conflicts (2 of 4 stars). 5 submissions from 5 submitters: Benign (1); Likely benign (4). Last evaluated 2026-06-24.

Conditions:
Hereditary cancer-predisposing syndrome. Also called: Hereditary Cancer Syndrome; Hereditary neoplastic syndrome; Neoplastic Syndromes, Hereditary; Tumor predisposition. Identifiers: Orphanet 140162, MedGen C0027672, MeSH D009386, MONDO:0015356.
Retinoblastoma (RB1). Also called: RETINOBLASTOMA, SOMATIC. Identifiers: Orphanet 790, MedGen C0035335, MeSH D012175, MONDO:0008380, OMIM 180200, HP:0009919. Disease mechanism: loss of function. Inheritance: Both sporadic and heritable forms are tested..

Allele frequency attached by ClinVar (database versions not stated): gnomAD 0.00001; TOPMed below 0.00001; ExAC 0.00001; gnomAD exomes below 0.00001 and 0.00001.
gnomAD v4.1: 6 of 1,613,946 alleles (0.00037%); highest among the groups gnomAD compares: Admixed American, 0.0017%; no homozygotes.

Submissions (5):

Myriad Genetics, Inc.
Classification: Benign for Retinoblastoma. Last evaluated: 2026-06-24. Review status: criteria provided, single submitter. Criteria: Myriad Autosomal Dominant, Autosomal Recessive and X-Linked Classification Criteria (2023). Collection method: clinical testing. Allele origin: unknown.
Comment: This variant is considered benign. This variant is a silent/synonymous amino acid change and it is not expected to impact splicing.

Labcorp Genetics (formerly Invitae), Labcorp
Classification: Likely benign for Retinoblastoma. Last evaluated: 2025-10-23. Review status: criteria provided, single submitter. Criteria: Invitae Variant Classification Sherloc (09022015). Collection method: clinical testing. Allele origin: germline.

All of Us Research Program, National Institutes of Health
Classification: Likely benign for Retinoblastoma. Last evaluated: 2023-12-13. Review status: criteria provided, single submitter. Criteria: ACMG Guidelines, 2015. Collection method: clinical testing. Allele origin: germline. Inheritance: Autosomal dominant inheritance. Observed: 3 variant alleles, 3 heterozygotes.
Comment: This study involves interpretation of variants in research participants for the purpose of population health screening. Participant phenotype was not available at the time of variant classification. Additional details can be found in publication PMID: 35346344, PMCID: PMC8962531

Sema4
Classification: Likely benign for Hereditary cancer-predisposing syndrome. Last evaluated: 2021-08-25. Review status: criteria provided, single submitter. Criteria: Sema4 Curation Guidelines. Collection method: curation. Allele origin: germline.

Ambry Genetics
Classification: Likely benign for Hereditary cancer-predisposing syndrome. Last evaluated: 2019-03-04. Review status: criteria provided, single submitter. Criteria: Ambry Variant Classification Scheme 2023. Collection method: clinical testing. Allele origin: germline.

NM_000321.3(RB1):c.1860G>A (p.Thr620=)

Gene: RB1 (RB transcriptional corepressor 1; plus strand). Cytogenetic location: 13q14.2.
Variant type: single nucleotide variant.
Coding change: c.1860G>A on transcript NM_000321.3 (MANE Select); coding-DNA position 1860, G replaced by A.
Protein change: p.Thr620=; no amino-acid change (threonine 620 retained).
Molecular consequence: synonymous variant.
Genome position (GRCh38, 1-based): chr13:48,456,249, G>A. VCF-style: chr13-48456249-G-A. GRCh37 (hg19) VCF-style: chr13-49030385-G-A.
Identifiers: ClinVar variation 699004 (VCV000699004.18), dbSNP rs750356534, ClinGen allele CA032848.
Genomic context (GRCh38, chr13:48,456,249, plus strand): 5'-TTTAAATATATCTAGGTATCTTTCTCCTGTAAGATCTCCAAAGAAAAAAGGTTCAACTAC[G>A]CGTGTAAATTCTACTGCAAATGCAGAGACACAAGCAACCTCAGCCTTCCAGACCCAGAAG-3'
Protein context (NP_000312.2, residues 610-630): VRSPKKKGST[Thr620=]RVNSTANAET